The following is an entry in ClinVar:

NM_001201543.2(FAM161A):c.1906G>A (p.Gly636Arg)

Gene: FAM161A (FAM161 centrosomal protein A; minus strand). Cytogenetic location: 2p15.
Variant type: single nucleotide variant.
Coding change: c.1906G>A on transcript NM_001201543.2 (MANE Select); coding-DNA position 1906, G replaced by A.
Protein change: p.Gly636Arg; replaces glycine 636 with arginine.
Molecular consequence: missense variant. On other transcripts: non-coding transcript variant (1).
Genome position (GRCh38, 1-based): chr2:61,827,204, C>T on the plus strand (G>A on the coding strand, the complement: FAM161A is on the minus strand). VCF-style: chr2-61827204-C-T. GRCh37 (hg19) VCF-style: chr2-62054339-C-T.
Other names: c.1738G>A, p.Gly580Arg (NM_032180.3); c.1906G>A (NM_001201543.1); short protein forms G580R, G636R.
Identifiers: ClinVar variation 1947321 (VCV001947321.5), dbSNP rs753463279, ClinGen allele CA1678993.
Genomic context (GRCh38, chr2:61,827,204, plus strand): 5'-TGAAGTACTCAAGTACTTTTCCACTTTGGCCTTTCTTTGAAACAAACTCATCAGATATTC[C>T]TAGTGCTTTTAGGGTATTAGAATAATGCTTTTCTGCTGCCATTCTTGCATTTTTCTATAG-3'
Protein context (NP_001188472.1, residues 626-646): KHYSNTLKAL[Gly636Arg]ISDEFVSKKG

ClinVar aggregate classification (germline): Uncertain significance. Review status: criteria provided, multiple submitters, no conflicts (2 of 4 stars). 2 submissions from 2 submitters: Uncertain significance (2). Last evaluated 2025-06-09.

Conditions:
Inborn genetic diseases. Identifiers: MedGen C0950123, MeSH D030342.

Allele frequency attached by ClinVar (database versions not stated): TOPMed 0.00003; gnomAD exomes below 0.00001; ExAC 0.00001; gnomAD 0.00003.
gnomAD v4.1: 5 of 1,613,750 alleles (0.00031%); highest among the groups gnomAD compares: African/African-American, 0.0053%; no homozygotes.

Submissions (2):

Ambry Genetics
Classification: Uncertain significance for Inborn genetic diseases. Last evaluated: 2025-06-09. Review status: criteria provided, single submitter. Criteria: Ambry Variant Classification Scheme 2023. Collection method: clinical testing. Allele origin: germline.

Labcorp Genetics (formerly Invitae), Labcorp
Classification: Uncertain significance. Last evaluated: 2024-01-02. Review status: criteria provided, single submitter. Criteria: Invitae Variant Classification Sherloc (09022015). Collection method: clinical testing. Allele origin: germline.
Comment: This sequence change replaces glycine, which is neutral and non-polar, with arginine, which is basic and polar, at codon 636 of the FAM161A protein (p.Gly636Arg). This variant is present in population databases (rs753463279, gnomAD 0.007%). This variant has not been reported in the literature in individuals affected with FAM161A-related conditions. ClinVar contains an entry for this variant (Variation ID: 1947321). An algorithm developed to predict the effect of missense changes on protein structure and function (PolyPhen-2) suggests that this variant is likely to be disruptive. In summary, the available evidence is currently insufficient to determine the role of this variant in disease. Therefore, it has been classified as a Variant of Uncertain Significance.